The following is an entry in ClinVar:

ClinVar aggregate classification (germline): Benign (1 of 4 stars; one submission).

Allele frequency attached by ClinVar (database versions not stated): 1000 Genomes Project 30x 0.60556; 1000 Genomes Project 0.60763; TOPMed 0.64162; gnomAD 0.65046 and 0.65541.
gnomAD v4.1: 99,645 of 152,100 alleles (66%); highest among the groups gnomAD compares: Middle Eastern, 78%; 34,031 homozygotes.

Submission:

GeneDx
Classification: Benign. Last evaluated: 2018-06-14. Review status: criteria provided, single submitter. Criteria: GeneDx Variant Classification (06012015). Collection method: clinical testing. Allele origin: germline. Affected: yes.
Comment: This variant is considered likely benign or benign based on one or more of the following criteria: it is a conservative change, it occurs at a poorly conserved position in the protein, it is predicted to be benign by multiple in silico algorithms, and/or has population frequency not consistent with disease.

NM_000138.5(FBN1):c.8052-266A>G

Gene: FBN1 (fibrillin 1; minus strand). Cytogenetic location: 15q21.1.
Variant type: single nucleotide variant.
Coding change: c.8052-266A>G on transcript NM_000138.5 (MANE Select); 266 bases into the intron before coding-DNA position 8052, A replaced by G.
Molecular consequence: intron variant.
Genome position (GRCh38, 1-based): chr15:48,413,009, T>C on the plus strand (A>G on the coding strand, the complement: FBN1 is on the minus strand). VCF-style: chr15-48413009-T-C. GRCh37 (hg19) VCF-style: chr15-48705206-T-C.
Identifiers: ClinVar variation 680580 (VCV000680580.1), dbSNP rs16960901, ClinGen allele CA15849927.
Genomic context (GRCh38, chr15:48,413,009, plus strand): 5'-TACTGCCTATCAAGACCCTGTCTTGGATATTTATTTATCTCTTCATTCCCAAACCTAACA[T>C]GGAAAGCATTTTGCAGTACTTATACTGGGGAGGAGACACAGAGTGGAAACAAGAGAATAG-3'